The following is an entry in ClinVar:

NM_016373.4(WWOX):c.903C>G (p.Ile301Met)

Gene: WWOX (WW domain containing oxidoreductase; plus strand). Cytogenetic location: 16q23.1.
Variant type: single nucleotide variant.
Coding change: c.903C>G on transcript NM_016373.4 (MANE Select); coding-DNA position 903, C replaced by G.
Protein change: p.Ile301Met; replaces isoleucine 301 with methionine.
Molecular consequence: missense variant.
Genome position (GRCh38, 1-based): chr16:78,432,599, C>G. VCF-style: chr16-78432599-C-G. GRCh37 (hg19) VCF-style: chr16-78466496-C-G.
Other names: c.564C>G, p.Ile188Met (NM_001291997.2); short protein forms I301M, I188M.
Identifiers: ClinVar variation 1394914 (VCV001394914.8), dbSNP rs758799029, ClinGen allele CA8183543.

ClinVar aggregate classification (germline): Uncertain significance (1 of 4 stars; one submission).

Conditions:
Autosomal recessive spinocerebellar ataxia 12. Also called: SPINOCEREBELLAR ATAXIA WITH MENTAL RETARDATION AND EPILEPSY. Identifiers: Orphanet 284282, MedGen C3280452, MONDO:0013687, OMIM 614322.
Developmental and epileptic encephalopathy, 1 (DEE1). Also called: X-linked infantile spasms; West's syndrome; Tonic spasms with clustering, arrest of psychomotor development and hypsarrhythmia on EEG; X-Linked Infantile Spasm Syndrome; OHTAHARA SYNDROME, X-LINKED; Epileptic encephalopathy, early infantile, 1. Identifiers: MedGen C3463992, MONDO:0010632, OMIM 308350. Disease mechanism: loss of function.

gnomAD v4.1: 10 of 1,614,230 alleles (0.00062%); highest among the groups gnomAD compares: South Asian, 0.0066%; no homozygotes.

Submission:

Labcorp Genetics (formerly Invitae), Labcorp
Classification: Uncertain significance for Developmental and epileptic encephalopathy, 1; Autosomal recessive spinocerebellar ataxia 12. Last evaluated: 2021-07-27. Review status: criteria provided, single submitter. Criteria: Invitae Variant Classification Sherloc (09022015). Collection method: clinical testing. Allele origin: germline.
Comment: In summary, the available evidence is currently insufficient to determine the role of this variant in disease. Therefore, it has been classified as a Variant of Uncertain Significance. Algorithms developed to predict the effect of missense changes on protein structure and function are either unavailable or do not agree on the potential impact of this missense change (SIFT: "Not Available"; PolyPhen-2: "Benign"; Align-GVGD: "Not Available"). This variant has not been reported in the literature in individuals affected with WWOX-related conditions. This variant is present in population databases (rs758799029, ExAC 0.006%). This sequence change replaces isoleucine with methionine at codon 301 of the WWOX protein (p.Ile301Met). The isoleucine residue is moderately conserved and there is a small physicochemical difference between isoleucine and methionine.